The following is an entry in ClinVar:

NM_001365999.1(SZT2):c.7994A>G (p.Asn2665Ser)

Gene: SZT2 (SZT2 subunit of KICSTOR complex; plus strand). Cytogenetic location: 1p34.2.
Variant type: single nucleotide variant.
Coding change: c.7994A>G on transcript NM_001365999.1 (MANE Select); coding-DNA position 7994, A replaced by G.
Protein change: p.Asn2665Ser; replaces asparagine 2665 with serine.
Molecular consequence: missense variant.
Genome position (GRCh38, 1-based): chr1:43,442,461, A>G. VCF-style: chr1-43442461-A-G. GRCh37 (hg19) VCF-style: chr1-43908132-A-G.
Other names: c.7823A>G, p.Asn2608Ser (NM_015284.4); c.7823A>G (NM_015284.3); short protein forms N2608S, N2665S.
Identifiers: ClinVar variation 1014059 (VCV001014059.9), dbSNP rs1248692397, ClinGen allele CA340037296.

ClinVar aggregate classification (germline): Uncertain significance. Review status: criteria provided, multiple submitters, no conflicts (2 of 4 stars). 2 submissions from 2 submitters: Uncertain significance (2). Last evaluated 2024-04-04.

Conditions:
Inborn genetic diseases. Identifiers: MedGen C0950123, MeSH D030342.

Allele frequency attached by ClinVar (database versions not stated): gnomAD 0.00001.
gnomAD v4.1: 1 of 1,613,422 alleles (0.000062%); highest among the groups gnomAD compares: African/African-American, 0.0013%; no homozygotes.

Submissions (2):

Ambry Genetics
Classification: Uncertain significance for Inborn genetic diseases. Last evaluated: 2024-04-04. Review status: criteria provided, single submitter. Criteria: Ambry Variant Classification Scheme 2023. Collection method: clinical testing. Allele origin: germline.

Labcorp Genetics (formerly Invitae), Labcorp
Classification: Uncertain significance. Last evaluated: 2022-07-12. Review status: criteria provided, single submitter. Criteria: Invitae Variant Classification Sherloc (09022015). Collection method: clinical testing. Allele origin: germline.
Comment: Algorithms developed to predict the effect of missense changes on protein structure and function (SIFT, PolyPhen-2, Align-GVGD) all suggest that this variant is likely to be disruptive. ClinVar contains an entry for this variant (Variation ID: 1014059). This variant has not been reported in the literature in individuals affected with SZT2-related conditions. This variant is present in population databases (no rsID available, gnomAD 0.01%). Algorithms developed to predict the effect of sequence changes on RNA splicing suggest that this variant may create or strengthen a splice site. This sequence change replaces asparagine, which is neutral and polar, with serine, which is neutral and polar, at codon 2608 of the SZT2 protein (p.Asn2608Ser). In summary, the available evidence is currently insufficient to determine the role of this variant in disease. Therefore, it has been classified as a Variant of Uncertain Significance.